The following is an entry in ClinVar:

NM_003140.3(SRY):c.71A>T (p.Asn24Ile)

Gene: SRY (sex determining region Y; minus strand). Cytogenetic location: Yp11.2.
Variant type: single nucleotide variant.
Coding change: c.71A>T on transcript NM_003140.3 (MANE Select); coding-DNA position 71, A replaced by T.
Protein change: p.Asn24Ile; replaces asparagine 24 with isoleucine.
Molecular consequence: missense variant.
Genome position (GRCh38, 1-based): chrY:2,787,533, T>A on the plus strand (A>T on the coding strand, the complement: SRY is on the minus strand). VCF-style: chrY-2787533-T-A. GRCh37 (hg19) VCF-style: chrY-2655574-T-A.
Other names: short protein forms N24I.
Identifiers: ClinVar variation 3766198 (VCV003766198.1).

ClinVar aggregate classification (germline): Uncertain significance (1 of 4 stars; one submission).

Submission:

GeneDx
Classification: Uncertain significance. Last evaluated: 2024-09-01. Review status: criteria provided, single submitter. Criteria: GeneDx Variant Classification Process June 2021. Collection method: clinical testing. Allele origin: germline. Affected: yes.
Comment: Missense variants in this gene are a common cause of disease and they are underrepresented in the general population; In silico analysis supports that this missense variant has a deleterious effect on protein structure/function; Has not been previously published as pathogenic or benign to our knowledge